The following is an entry in ClinVar:

ClinVar aggregate classification (germline): Benign/Likely benign. Review status: criteria provided, multiple submitters, no conflicts (2 of 4 stars). 4 submissions from 4 submitters: Benign (1); Likely benign (3). Last evaluated 2025-05-11.

Conditions:
Metaphyseal chondrodysplasia, Schmid type (MCDS). Also called: SPONDYLOMETAPHYSEAL DYSPLASIA, JAPANESE TYPE. Identifiers: Orphanet 174, MedGen C0265289, MONDO:0007983, OMIM 156500.

Allele frequency attached by ClinVar (database versions not stated): gnomAD exomes 0.00002 and 0.00008; gnomAD 0.00004; ExAC 0.00006; TOPMed 0.00007.
gnomAD v4.1: 38 of 1,614,074 alleles (0.0024%); highest among the groups gnomAD compares: Admixed American, 0.037%; no homozygotes.

Submissions (4):

Labcorp Genetics (formerly Invitae), Labcorp
Classification: Likely benign. Last evaluated: 2025-05-11. Review status: criteria provided, single submitter. Criteria: Invitae Variant Classification Sherloc (09022015). Collection method: clinical testing. Allele origin: germline.

ARUP Laboratories, Molecular Genetics and Genomics, ARUP Laboratories
Classification: Likely benign for Metaphyseal chondrodysplasia, Schmid type. Last evaluated: 2024-10-21. Review status: criteria provided, single submitter. Criteria: ARUP Molecular Germline Variant Investigation Process 2024. Collection method: clinical testing. Allele origin: germline.

Blueprint Genetics
Classification: Likely benign. Last evaluated: 2022-12-28. Review status: criteria provided, single submitter. Criteria: ACMG Guidelines, 2015. Collection method: clinical testing. Allele origin: germline.

Illumina Laboratory Services, Illumina
Classification: Benign for Metaphyseal chondrodysplasia, Schmid type. Last evaluated: 2017-04-27. Review status: criteria provided, single submitter. Criteria: ICSL Variant Classification Criteria 13 December 2019. Collection method: clinical testing. Allele origin: germline.
Comment: This variant was observed as part of a predisposition screen in an ostensibly healthy population. A literature search was performed for the gene, cDNA change, and amino acid change (where applicable). No publications were found based on this search. Allele frequency data from public databases was too high to be consistent with this variant causing disease. Therefore, this variant is classified as benign.

NM_000493.4(COL10A1):c.1806C>T (p.His602=)

Genes: COL10A1 (collagen type X alpha 1 chain; minus strand), NT5DC1 (5'-nucleotidase domain containing 1; plus strand). Cytogenetic location: 6q22.1.
Variant type: single nucleotide variant.
Coding change: c.1806C>T on transcript NM_000493.4 (MANE Select); coding-DNA position 1806, C replaced by T.
Protein change: p.His602=; no amino-acid change (histidine 602 retained).
Molecular consequence: synonymous variant. On other transcripts: intron variant (1).
Genome position (GRCh38, 1-based): chr6:116,120,310, G>A on the plus strand (C>T on the coding strand, the complement: COL10A1 is on the minus strand). VCF-style: chr6-116120310-G-A. GRCh37 (hg19) VCF-style: chr6-116441473-G-A.
Other names: c.1806C>T, p.His602= (NM_001424106.1, NM_001424107.1); c.529+2365G>A (NM_152729.3).
Identifiers: ClinVar variation 745218 (VCV000745218.14), dbSNP rs753033965, ClinGen allele CA3968114.